The following is an entry in ClinVar:

NM_001458.5(FLNC):c.987C>A (p.Asn329Lys)

Gene: FLNC (filamin C; plus strand). Cytogenetic location: 7q32.1.
Variant type: single nucleotide variant.
Coding change: c.987C>A on transcript NM_001458.5 (MANE Select); coding-DNA position 987, C replaced by A.
Protein change: p.Asn329Lys; replaces asparagine 329 with lysine.
Molecular consequence: missense variant.
Genome position (GRCh38, 1-based): chr7:128,838,004, C>A. VCF-style: chr7-128838004-C-A. GRCh37 (hg19) VCF-style: chr7-128478058-C-A.
Other names: c.987C>A, p.Asn329Lys (NM_001127487.2); c.987C>A (NM_001458.4); short protein forms N329K.
Identifiers: ClinVar variation 1015470 (VCV001015470.10), dbSNP rs1808169217, ClinGen allele CA369223334.
Genomic context (GRCh38, chr7:128,838,004, plus strand): 5'-TATGGTCATTGGAGAGGCTTCCAATCTTTTTCCTTCCTAATAGGCTAAGGTGGTTCCCAA[C>A]AATGACAAGGATCGCACCTATGCTGTCTCCTATGTGCCCAAGGTCGCTGGGTTACACAAG-3'
Protein context (NP_001449.3, residues 319-339): GHTEEAKVVP[Asn329Lys]NDKDRTYAVS

ClinVar aggregate classification (germline): Uncertain significance. Review status: criteria provided, multiple submitters, no conflicts (2 of 4 stars). 2 submissions from 2 submitters: Uncertain significance (2). Last evaluated 2025-04-24.

Conditions:
Cardiovascular phenotype. Identifiers: MedGen CN230736.
Hypertrophic cardiomyopathy 26. Also called: Cardiomyopathy, familial hypertrophic, 26. Identifiers: Orphanet 75249, MedGen C4310749, MONDO:0014883, OMIM 617047.
Distal myopathy with posterior leg and anterior hand involvement. Also called: WILLIAMS DISTAL MYOPATHY. Identifiers: Orphanet 63273, MedGen C3279722, MONDO:0013550, OMIM 614065.
Myofibrillar myopathy 5. Also called: FILAMINOPATHY, AUTOSOMAL DOMINANT; Filaminopathy (type). Identifiers: Orphanet 171445, MedGen C1836050, MONDO:0012289, OMIM 609524.

Submissions (2):

Ambry Genetics
Classification: Uncertain significance for Cardiovascular phenotype. Last evaluated: 2025-04-24. Review status: criteria provided, single submitter. Criteria: Ambry Variant Classification Scheme 2023. Collection method: clinical testing. Allele origin: germline.
Comment: The p.N329K variant (also known as c.987C>A), located in coding exon 6 of the FLNC gene, results from a C to A substitution at nucleotide position 987. The asparagine at codon 329 is replaced by lysine, an amino acid with similar properties. This amino acid position is conserved. In addition, this alteration is predicted to be tolerated by in silico analysis. Based on the available evidence, the clinical significance of this variant remains unclear.

Labcorp Genetics (formerly Invitae), Labcorp
Classification: Uncertain significance for Distal myopathy with posterior leg and anterior hand involvement; Myofibrillar myopathy 5; Hypertrophic cardiomyopathy 26. Last evaluated: 2022-08-16. Review status: criteria provided, single submitter. Criteria: Invitae Variant Classification Sherloc (09022015). Collection method: clinical testing. Allele origin: germline.
Comment: In summary, the available evidence is currently insufficient to determine the role of this variant in disease. Therefore, it has been classified as a Variant of Uncertain Significance. Algorithms developed to predict the effect of missense changes on protein structure and function are either unavailable or do not agree on the potential impact of this missense change (SIFT: "Tolerated"; PolyPhen-2: "Possibly Damaging"; Align-GVGD: "Class C0"). ClinVar contains an entry for this variant (Variation ID: 1015470). This variant has not been reported in the literature in individuals affected with FLNC-related conditions. This variant is not present in population databases (gnomAD no frequency). This sequence change replaces asparagine, which is neutral and polar, with lysine, which is basic and polar, at codon 329 of the FLNC protein (p.Asn329Lys).